The following is an entry in ClinVar:

ClinVar aggregate classification (germline): Pathogenic (1 of 4 stars; one submission).

Conditions:
GLUT1 deficiency syndrome 1, autosomal recessive. Identifiers: MedGen C3149117.

Submission:

Labcorp Genetics (formerly Invitae), Labcorp
Classification: Pathogenic for GLUT1 deficiency syndrome 1, autosomal recessive. Last evaluated: 2026-01-11. Review status: criteria provided, single submitter. Criteria: Invitae Variant Classification Sherloc (09022015). Collection method: clinical testing. Allele origin: germline.
Comment: This variant, c.950_961del, results in the deletion of 4 amino acid(s) of the SLC2A1 protein (p.Asn317_Phe320del), but otherwise preserves the integrity of the reading frame. This variant is not present in population databases (gnomAD no frequency). This variant has not been reported in the literature in individuals affected with SLC2A1-related conditions. This variant disrupts a region of the SLC2A1 protein in which other variant(s) (p.Asn317Thr) have been determined to be pathogenic (PMID: 18577546, 21204808). This suggests that this is a clinically significant region of the protein, and that variants that disrupt it are likely to be disease-causing. For these reasons, this variant has been classified as Pathogenic.

Literature cited by the submitters: PubMed 18577546; PubMed 21204808.

NM_006516.4(SLC2A1):c.950_961del (p.Asn317_Phe320del)

Gene: SLC2A1 (solute carrier family 2 member 1; minus strand). Cytogenetic location: 1p34.2.
Variant type: Deletion.
Coding change: c.950_961del on transcript NM_006516.4 (MANE Select); coding-DNA positions 950 to 961, 12 bases deleted (ACACGGCCTTCA).
Protein change: p.Asn317_Phe320del.
Molecular consequence: inframe deletion.
Genome position (GRCh38, 1-based): chr1:42,929,221-42,929,232, TGAAGGCCGTGT deleted on the plus strand (ACACGGCCTTCA on the coding strand, the reverse complement: SLC2A1 is on the minus strand); deleting any 12 consecutive bases within chr1:42,929,221-42,929,235 gives the same sequence; the c. name uses the placement nearest the transcript's 3' end. VCF-style (leftmost placement, unchanged base first): chr1-42929220-GTGAAGGCCGTGT-G. GRCh37 (hg19) VCF-style: chr1-43394891-GTGAAGGCCGTGT-G.
Identifiers: ClinVar variation 4735091 (VCV004735091.1).
Genomic context (GRCh38, chr1:42,929,220, plus strand): 5'-CTGCCTCCTCCCTGGGGTTTGGCTGGGGGGGCCAGTAAGCAAAGACTCACCGACACGACA[GTGAAGGCCGTGT>G]TGACGATACCGGAGCCAATGGTGGCATACACAGGCTGCTGCACCCCCGCCTTCTCGAAGA-3'